The following is an entry in ClinVar:

NM_005732.4(RAD50):c.74T>C (p.Ile25Thr)

Gene: RAD50 (RAD50 double strand break repair protein; plus strand). Cytogenetic location: 5q31.1.
Variant type: single nucleotide variant.
Coding change: c.74T>C on transcript NM_005732.4 (MANE Select); coding-DNA position 74, T replaced by C.
Protein change: p.Ile25Thr; replaces isoleucine 25 with threonine.
Molecular consequence: missense variant.
Genome position (GRCh38, 1-based): chr5:132,557,398, T>C. VCF-style: chr5-132557398-T-C. GRCh37 (hg19) VCF-style: chr5-131893090-T-C.
Other names: short protein forms I25T.
Identifiers: ClinVar variation 948760 (VCV000948760.10), dbSNP rs1750021668, ClinGen allele CA360951409.

ClinVar aggregate classification (germline): Uncertain significance (1 of 4 stars; one submission).

Conditions:
Hereditary cancer-predisposing syndrome. Also called: Hereditary neoplastic syndrome; Neoplastic Syndromes, Hereditary; Tumor predisposition; Hereditary Cancer Syndrome. Identifiers: Orphanet 140162, MedGen C0027672, MeSH D009386, MONDO:0015356.

Submission:

Labcorp Genetics (formerly Invitae), Labcorp
Classification: Uncertain significance for Hereditary cancer-predisposing syndrome. Last evaluated: 2023-05-15. Review status: criteria provided, single submitter. Criteria: Invitae Variant Classification Sherloc (09022015). Collection method: clinical testing. Allele origin: germline.
Comment: This variant is not present in population databases (gnomAD no frequency). In summary, the available evidence is currently insufficient to determine the role of this variant in disease. Therefore, it has been classified as a Variant of Uncertain Significance. Advanced modeling of protein sequence and biophysical properties (such as structural, functional, and spatial information, amino acid conservation, physicochemical variation, residue mobility, and thermodynamic stability) performed at Invitae indicates that this missense variant is expected to disrupt RAD50 protein function. ClinVar contains an entry for this variant (Variation ID: 948760). This variant has not been reported in the literature in individuals affected with RAD50-related conditions. This sequence change replaces isoleucine, which is neutral and non-polar, with threonine, which is neutral and polar, at codon 25 of the RAD50 protein (p.Ile25Thr).